The following is an entry in ClinVar:

NM_018292.5(QRSL1):c.789T>C (p.Asn263=)

Gene: QRSL1 (glutaminyl-tRNA amidotransferase subunit QRSL1; plus strand). Cytogenetic location: 6q21.
Variant type: single nucleotide variant.
Coding change: c.789T>C on transcript NM_018292.5 (MANE Select); coding-DNA position 789, T replaced by C.
Protein change: p.Asn263=; no amino-acid change (asparagine 263 retained).
Molecular consequence: synonymous variant.
Genome position (GRCh38, 1-based): chr6:106,652,522, T>C. VCF-style: chr6-106652522-T-C. GRCh37 (hg19) VCF-style: chr6-107100397-T-C.
Other names: c.789T>C (NM_018292.4).
Identifiers: ClinVar variation 2045127 (VCV002045127.7), dbSNP rs146630103, ClinGen allele CA3944857.

ClinVar aggregate classification (germline): Benign/Likely benign. Review status: criteria provided, multiple submitters, no conflicts (2 of 4 stars). 3 submissions from 3 submitters: Benign (1); Likely benign (1). 1 of the submissions does not count toward it. Last evaluated 2025-12-16.

Conditions:
QRSL1-related disorder. Also called: QRSL1-related condition.

Allele frequency attached by ClinVar (database versions not stated): ExAC 0.00039; ESP Exome Variant Server 0.00108; gnomAD 0.00121; TOPMed 0.00140; 1000 Genomes Project 30x 0.00172; 1000 Genomes Project 0.00200.
gnomAD v4.1: 394 of 1,614,238 alleles (0.024%); highest among the groups gnomAD compares: African/African-American, 0.46%; 2 homozygotes.

Submissions (3):

Labcorp Genetics (formerly Invitae), Labcorp
Classification: Benign. Last evaluated: 2025-12-16. Review status: criteria provided, single submitter. Criteria: Invitae Variant Classification Sherloc (09022015). Collection method: clinical testing. Allele origin: germline.

Blueprint Genetics
Classification: Likely benign. Last evaluated: 2024-10-17. Review status: criteria provided, single submitter. Criteria: ACMG Guidelines, 2015. Collection method: clinical testing. Allele origin: germline.

PreventionGenetics, part of Exact Sciences
Classification: Likely benign for QRSL1-related condition. Last evaluated: 2019-05-20. Review status: no assertion criteria provided. Collection method: clinical testing. Allele origin: germline. Not counted in ClinVar's aggregate classification.
Comment: This variant is classified as likely benign based on ACMG/AMP sequence variant interpretation guidelines (Richards et al. 2015 PMID: 25741868, with internal and published modifications).